The following is an entry in ClinVar:

ClinVar aggregate classification (germline): Uncertain significance. Review status: criteria provided, multiple submitters, no conflicts (2 of 4 stars). 5 submissions from 5 submitters: Uncertain significance (5). Last evaluated 2025-11-15.

Conditions:
Cardiovascular phenotype. Identifiers: MedGen CN230736.

gnomAD v4.1: 27 of 1,612,158 alleles (0.0017%); highest among the groups gnomAD compares: Non-Finnish European, 0.0022%; no homozygotes.

Submissions (5):

Mayo Clinic Laboratories, Mayo Clinic
Classification: Uncertain significance. Last evaluated: 2025-11-15. Review status: criteria provided, single submitter. Criteria: ACMG Guidelines, 2015. Collection method: clinical testing. Allele origin: germline. Observed: 1 variant allele.
Comment: BP4_moderate

GeneDx
Classification: Uncertain significance. Last evaluated: 2025-07-16. Review status: criteria provided, single submitter. Criteria: GeneDx Variant Classification Process June 2021. Collection method: clinical testing. Allele origin: germline. Affected: yes.
Comment: Not observed at significant frequency in large population cohorts (gnomAD); In silico analysis suggests that this missense variant does not alter protein structure/function; Has not been previously published as pathogenic or benign to our knowledge

Women's Health and Genetics/Laboratory Corporation of America, LabCorp
Classification: Uncertain significance. Last evaluated: 2025-06-10. Review status: criteria provided, single submitter. Criteria: LabCorp Variant Classification Summary - May 2015. Collection method: clinical testing. Allele origin: germline.
Comment: Variant summary: TNXB c.10189G>T (p.Val3397Leu) results in a conservative amino acid change in the encoded protein sequence. Algorithms developed to predict the effect of missense changes on protein structure and function all suggest that this variant is likely to be tolerated. The variant allele was found at a frequency of 1.6e-05 in 244252 control chromosomes. The available data on variant occurrences in the general population are insufficient to allow any conclusion about variant significance. To our knowledge, no occurrence of c.10189G>T in individuals affected with Ehlers-Danlos syndrome due to tenascin-X deficiency and no experimental evidence demonstrating its impact on protein function have been reported. ClinVar contains an entry for this variant (Variation ID: 3389387). Based on the evidence outlined above, the variant was classified as uncertain significance.

Ambry Genetics
Classification: Uncertain significance for Cardiovascular phenotype. Last evaluated: 2025-05-24. Review status: criteria provided, single submitter. Criteria: Ambry Variant Classification Scheme 2023. Collection method: clinical testing. Allele origin: germline.
Comment: The p.V3397L variant (also known as c.10189G>T), located in coding exon 29 of the TNXB gene, results from a G to T substitution at nucleotide position 10189. The valine at codon 3397 is replaced by leucine, an amino acid with highly similar properties. This amino acid position is conserved. In addition, this alteration is predicted to be tolerated by in silico analysis. Based on the available evidence, the clinical significance of this variant remains unclear.

CeGaT Center for Human Genetics Tuebingen
Classification: Uncertain significance. Last evaluated: 2024-09-01. Review status: criteria provided, single submitter. Criteria: CeGaT Center For Human Genetics Tuebingen Variant Classification Criteria Version 2. Collection method: clinical testing. Allele origin: germline. Affected: yes. Observed: 1 variant allele.
Comment: TNXB: PM2, BP4

NM_001365276.2(TNXB):c.10195G>T (p.Val3399Leu)

Gene: TNXB (tenascin XB; minus strand). Cytogenetic location: 6p21.33.
Variant type: single nucleotide variant.
Coding change: c.10195G>T on transcript NM_001365276.2 (MANE Select); coding-DNA position 10195, G replaced by T.
Protein change: p.Val3399Leu; replaces valine 3399 with leucine.
Molecular consequence: missense variant.
Genome position (GRCh38, 1-based): chr6:32,047,863, C>A on the plus strand (G>T on the coding strand, the complement: TNXB is on the minus strand). VCF-style: chr6-32047863-C-A. GRCh37 (hg19) VCF-style: chr6-32015640-C-A.
Other names: p.Val3397Leu; c.10936G>T, p.Val3646Leu (NM_001428335.1); c.10189G>T, p.Val3397Leu (NM_019105.8); c.10189G>T (NM_019105.6); short protein forms V3397L, V3399L, V3646L.
Identifiers: ClinVar variation 3389387 (VCV003389387.17).
Genomic context (GRCh38, chr6:32,047,863, plus strand): 5'-ATTTCCTACTGGGCTCCAGGCCCTGGACTGTGACCTCCCGCTGGTTGGCTGCCACCGGCA[C>A]CACCTGGAGCCGACCATCCTTATCCTTGTACTGGACCACGAAGGAGTCGAATTCGCCCTC-3'
Protein context (NP_001352205.1, residues 3389-3409): YKDKDGRLQV[Val3399Leu]PVAANQREVT